The following is an entry in ClinVar:

ClinVar aggregate classification (germline): Likely benign (1 of 4 stars; one submission).

Conditions:
PFKL-related disorder. Also called: PFKL-related condition.

gnomAD v4.1: 191 of 1,588,962 alleles (0.012%); highest among the groups gnomAD compares: Middle Eastern, 0.09%; no homozygotes.

Submission:

PreventionGenetics, part of Exact Sciences
Classification: Likely benign for PFKL-related condition. Last evaluated: 2024-10-13. Review status: criteria provided, single submitter. Criteria: ACMG Guidelines, 2015. Collection method: clinical testing. Allele origin: germline.
Comment: This variant is classified as likely benign based on ACMG/AMP sequence variant interpretation guidelines (Richards et al. 2015 PMID: 25741868, with internal and published modifications).

NM_002626.6(PFKL):c.423G>A (p.Ala141=)

Gene: PFKL (phosphofructokinase, liver type; plus strand). Cytogenetic location: 21q22.3.
Variant type: single nucleotide variant.
Coding change: c.423G>A on transcript NM_002626.6 (MANE Select); coding-DNA position 423, G replaced by A.
Protein change: p.Ala141=; no amino-acid change (alanine 141 retained).
Molecular consequence: synonymous variant.
Genome position (GRCh38, 1-based): chr21:44,312,290, G>A. VCF-style: chr21-44312290-G-A. GRCh37 (hg19) VCF-style: chr21-45732173-G-A.
Other names: c.573G>A, p.Ala191= (NM_001002021.3).
Identifiers: ClinVar variation 4979156 (VCV004979156.1).